The following is an entry in ClinVar:

ClinVar aggregate classification (germline): Conflicting classifications of pathogenicity. Review status: criteria provided, conflicting classifications (1 of 4 stars). 3 submissions from 3 submitters: Uncertain significance (1); Likely benign (2). Last evaluated 2026-02-04.

Allele frequency attached by ClinVar (database versions not stated): TOPMed 0.00006; gnomAD 0.00032; ExAC 0.00053.
gnomAD v4.1: 364 of 1,611,602 alleles (0.023%); highest among the groups gnomAD compares: Middle Eastern, 0.017%; 1 homozygote.

Submissions (3):

GeneDx
Classification: Uncertain significance. Last evaluated: 2026-02-04. Review status: criteria provided, single submitter. Criteria: GeneDx Variant Classification Process June 2021. Collection method: clinical testing. Allele origin: germline.
Comment: In silico analysis suggests that this missense variant does not alter protein structure/function; Has not been previously published as pathogenic or benign to our knowledge

Labcorp Genetics (formerly Invitae), Labcorp
Classification: Likely benign. Last evaluated: 2025-12-08. Review status: criteria provided, single submitter. Criteria: Invitae Variant Classification Sherloc (09022015). Collection method: clinical testing. Allele origin: germline.

Blueprint Genetics
Classification: Likely benign. Last evaluated: 2024-06-05. Review status: criteria provided, single submitter. Criteria: ACMG Guidelines, 2015. Collection method: clinical testing. Allele origin: germline.

NM_001039876.3(SYNE4):c.800G>A (p.Arg267Gln)

Gene: SYNE4 (spectrin repeat containing nuclear envelope family member 4; minus strand). Cytogenetic location: 19q13.12.
Variant type: single nucleotide variant.
Coding change: c.800G>A on transcript NM_001039876.3 (MANE Select); coding-DNA position 800, G replaced by A.
Protein change: p.Arg267Gln; replaces arginine 267 with glutamine.
Molecular consequence: missense variant.
Genome position (GRCh38, 1-based): chr19:36,006,490, C>T on the plus strand (G>A on the coding strand, the complement: SYNE4 is on the minus strand). VCF-style: chr19-36006490-C-T. GRCh37 (hg19) VCF-style: chr19-36497392-C-T.
Other names: c.461G>A, p.Arg154Gln (NM_001297735.3); c.800G>A (NM_001039876.2); short protein forms R154Q, R267Q.
Identifiers: ClinVar variation 2728186 (VCV002728186.5), dbSNP rs200616477, ClinGen allele CA9393852.